The following is an entry in ClinVar:

ClinVar aggregate classification (germline): Uncertain significance (1 of 4 stars; one submission).

Conditions:
Hereditary sensory and autonomic neuropathy type 7. Also called: HSAN VII; Neuropathy, hereditary sensory and autonomic, type VII. Identifiers: Orphanet 391397, MedGen C3809882, MONDO:0014244, OMIM 615548.
Familial episodic pain syndrome with predominantly lower limb involvement. Also called: Episodic pain syndrome, familial, 3. Identifiers: Orphanet 391384, Orphanet 391392, MedGen C3809899, MONDO:0014247, OMIM 615552.

gnomAD v4.1: 2 of 1,613,160 alleles (0.00012%); highest among the groups gnomAD compares: African/African-American, 0.0027%; no homozygotes.

Submission:

Labcorp Genetics (formerly Invitae), Labcorp
Classification: Uncertain significance for Familial episodic pain syndrome with predominantly lower limb involvement; Hereditary sensory and autonomic neuropathy type 7. Last evaluated: 2022-06-19. Review status: criteria provided, single submitter. Criteria: Invitae Variant Classification Sherloc (09022015). Collection method: clinical testing. Allele origin: germline.
Comment: This sequence change replaces phenylalanine, which is neutral and non-polar, with tyrosine, which is neutral and polar, at codon 1204 of the SCN11A protein (p.Phe1204Tyr). This variant is not present in population databases (gnomAD no frequency). This variant has not been reported in the literature in individuals affected with SCN11A-related conditions. Algorithms developed to predict the effect of missense changes on protein structure and function are either unavailable or do not agree on the potential impact of this missense change (SIFT: "Deleterious"; PolyPhen-2: "Probably Damaging"; Align-GVGD: "Class C15"). In summary, the available evidence is currently insufficient to determine the role of this variant in disease. Therefore, it has been classified as a Variant of Uncertain Significance.

NM_001349253.2(SCN11A):c.3611T>A (p.Phe1204Tyr)

Genes: SCN11A (sodium voltage-gated channel alpha subunit 11; minus strand), LOC126806652 (CDK7 strongly-dependent group 2 enhancer GRCh37_chr3:38912374-38913573; plus strand). Cytogenetic location: 3p22.2.
Variant type: single nucleotide variant.
Coding change: c.3611T>A on transcript NM_001349253.2 (MANE Select); coding-DNA position 3611, T replaced by A.
Protein change: p.Phe1204Tyr; replaces phenylalanine 1204 with tyrosine.
Molecular consequence: missense variant.
Genome position (GRCh38, 1-based): chr3:38,871,593, A>T on the plus strand (T>A on the coding strand, the complement: SCN11A is on the minus strand). VCF-style: chr3-38871593-A-T. GRCh37 (hg19) VCF-style: chr3-38913084-A-T.
Other names: c.3611T>A, p.Phe1204Tyr (NM_014139.3); short protein forms F1204Y.
Identifiers: ClinVar variation 2052714 (VCV002052714.4), dbSNP rs2065127101, ClinGen allele CA352170831.